The following is an entry in ClinVar:

NM_001378615.1(CC2D2A):c.1918C>T (p.Gln640Ter)

Genes: CC2D2A (coiled-coil and C2 domain containing 2A; plus strand), FBXL5 (F-box and leucine rich repeat protein 5; minus strand). Cytogenetic location: 4p15.32.
Variant type: single nucleotide variant.
Coding change: c.1918C>T on transcript NM_001378615.1 (MANE Select); coding-DNA position 1918, C replaced by T.
Protein change: p.Gln640Ter; replaces glutamine 640 with a stop codon.
Molecular consequence: nonsense.
Genome position (GRCh38, 1-based): chr4:15,538,052, C>T. VCF-style: chr4-15538052-C-T. GRCh37 (hg19) VCF-style: chr4-15539675-C-T.
Other names: c.1918C>T, p.Gln640Ter (NM_001080522.2); c.1771C>T, p.Gln591Ter (NM_001378617.1); short protein forms Q591*, Q640*.
Identifiers: ClinVar variation 5016243 (VCV005016243.1).

ClinVar aggregate classification (germline): Pathogenic (1 of 4 stars; one submission).

Conditions:
Joubert syndrome and related disorders. Identifiers: Orphanet 140874, MedGen C5679612, MONDO:0015369.

gnomAD v4.1: 3 of 1,607,838 alleles (0.00019%); highest among the groups gnomAD compares: South Asian, 0.0022%; no homozygotes.

Submission:

Myriad Genetics, Inc.
Classification: Pathogenic for Joubert syndrome and related disorders. Last evaluated: 2026-08-18. Review status: criteria provided, single submitter. Criteria: Myriad Autosomal Dominant, Autosomal Recessive and X-Linked Classification Criteria (2023). Collection method: clinical testing. Allele origin: unknown.
Comment: NM_001080522.2(CC2D2A):c.1918C>T(Q640*) is expected to be pathogenic in the context of CC2D2A-related disorders. This variant is predicted to lead to an abnormal or absent protein product due to the creation of a premature termination codon in CC2D2A, a gene where loss-of-function variants are known to be pathogenic. Please note: this variant was assessed in the context of healthy population screening.